The following is an entry in ClinVar:

NM_194277.3(FRMD7):c.1451C>T (p.Thr484Ile)

Gene: FRMD7 (FERM domain containing 7; minus strand). Cytogenetic location: Xq26.2.
Variant type: single nucleotide variant.
Coding change: c.1451C>T on transcript NM_194277.3 (MANE Select); coding-DNA position 1451, C replaced by T.
Protein change: p.Thr484Ile; replaces threonine 484 with isoleucine.
Molecular consequence: missense variant.
Genome position (GRCh38, 1-based): chrX:132,078,566, G>A on the plus strand (C>T on the coding strand, the complement: FRMD7 is on the minus strand). VCF-style: chrX-132078566-G-A. GRCh37 (hg19) VCF-style: chrX-131212594-G-A.
Other names: c.1406C>T, p.Thr469Ile (NM_001306193.2); short protein forms T484I, T469I.
Identifiers: ClinVar variation 2791418 (VCV002791418.3), dbSNP rs1189447000, ClinGen allele CA414679056.

ClinVar aggregate classification (germline): Uncertain significance (1 of 4 stars; one submission).

Allele frequency attached by ClinVar (database versions not stated): gnomAD exomes 0.00001.
gnomAD v4.1: 9 of 1,211,663 alleles (0.00074%); highest among the groups gnomAD compares: Non-Finnish European, 0.00045%; no homozygotes.

Submission:

Labcorp Genetics (formerly Invitae), Labcorp
Classification: Uncertain significance. Last evaluated: 2022-11-08. Review status: criteria provided, single submitter. Criteria: Invitae Variant Classification Sherloc (09022015). Collection method: clinical testing. Allele origin: germline.
Comment: Algorithms developed to predict the effect of missense changes on protein structure and function are either unavailable or do not agree on the potential impact of this missense change (SIFT: "Tolerated"; PolyPhen-2: "Possibly Damaging"; Align-GVGD: "Class C0"). In summary, the available evidence is currently insufficient to determine the role of this variant in disease. Therefore, it has been classified as a Variant of Uncertain Significance. This variant has not been reported in the literature in individuals affected with FRMD7-related conditions. This variant is present in population databases (no rsID available, gnomAD 0.01%). This sequence change replaces threonine, which is neutral and polar, with isoleucine, which is neutral and non-polar, at codon 484 of the FRMD7 protein (p.Thr484Ile).